The following is an entry in ClinVar:

NM_005908.4(MANBA):c.273-1G>A

Gene: MANBA (mannosidase beta; minus strand). Cytogenetic location: 4q24.
Variant type: single nucleotide variant.
Coding change: c.273-1G>A on transcript NM_005908.4 (MANE Select); the canonical splice acceptor site of the intron before coding-DNA position 273, G replaced by A.
Molecular consequence: splice acceptor variant.
Genome position (GRCh38, 1-based): chr4:102,723,968, C>T on the plus strand (G>A on the coding strand, the complement: MANBA is on the minus strand). VCF-style: chr4-102723968-C-T. GRCh37 (hg19) VCF-style: chr4-103645125-C-T.
Identifiers: ClinVar variation 2501175 (VCV002501175.5), dbSNP rs2476909407, ClinGen allele CA357958447.
Genomic context (GRCh38, chr4:102,723,968, plus strand): 5'-AACAGGATTTTTGAAACCGTATCCACTCCCTCAAGAATCAAATTTACTTTTTGCCATTTG[C>T]TAAAAAAAAGAAAAGATTTTTAAAACAAGATGTGTAAAGCATTAACTTAGATAAGTCTCT-3'

ClinVar aggregate classification (germline): Likely pathogenic. Review status: criteria provided, multiple submitters, no conflicts (2 of 4 stars). 2 submissions from 2 submitters: Likely pathogenic (2). Last evaluated 2023-07-09.

Conditions:
Beta-D-mannosidosis (MANSB). Also called: Beta-Mannosidosis; MANNOSIDOSIS, BETA A, LYSOSOMAL; BETA-MANNOSIDASE DEFICIENCY; LYSOSOMAL BETA-MANNOSIDASE DEFICIENCY. Identifiers: Orphanet 118, MedGen C4048196, MONDO:0009562, OMIM 248510.

Allele frequency attached by ClinVar (database versions not stated): gnomAD exomes 0.00001.
gnomAD v4.1: 9 of 1,573,884 alleles (0.00057%); highest among the groups gnomAD compares: South Asian, 0.0056%; no homozygotes.

Submissions (2):

Labcorp Genetics (formerly Invitae), Labcorp
Classification: Likely pathogenic for Beta-D-mannosidosis. Last evaluated: 2023-07-09. Review status: criteria provided, single submitter. Criteria: Invitae Variant Classification Sherloc (09022015). Collection method: clinical testing. Allele origin: germline.
Comment: In summary, the currently available evidence indicates that the variant is pathogenic, but additional data are needed to prove that conclusively. Therefore, this variant has been classified as Likely Pathogenic. Algorithms developed to predict the effect of sequence changes on RNA splicing suggest that this variant may disrupt the consensus splice site. ClinVar contains an entry for this variant (Variation ID: 2501175). This variant has not been reported in the literature in individuals affected with MANBA-related conditions. This variant is not present in population databases (gnomAD no frequency). This sequence change affects an acceptor splice site in intron 2 of the MANBA gene. It is expected to disrupt RNA splicing. Variants that disrupt the donor or acceptor splice site typically lead to a loss of protein function (PMID: 16199547), and loss-of-function variants in MANBA are known to be pathogenic (PMID: 9384606, 12468273).

Women's Health and Genetics/Laboratory Corporation of America, LabCorp
Classification: Likely pathogenic for Beta-D-mannosidosis. Last evaluated: 2023-03-06. Review status: criteria provided, single submitter. Criteria: LabCorp Variant Classification Summary - May 2015. Collection method: clinical testing. Allele origin: germline.
Comment: Variant summary: MANBA c.273-1G>A is located in a canonical splice-site and is predicted to affect mRNA splicing resulting in a significantly altered protein due to either exon skipping, shortening, or inclusion of intronic material. Several computational tools predict a significant impact on normal splicing: Four predict the variant abolishes a 3 acceptor site. However, these predictions have yet to be confirmed by functional studies. The variant was absent in 239020 control chromosomes. To our knowledge, no occurrence of c.273-1G>A in individuals affected with Beta-Mannosidosis and no experimental evidence demonstrating its impact on protein function have been reported. No clinical diagnostic laboratories have submitted clinical-significance assessments for this variant to ClinVar after 2014. Based on the evidence outlined above, the variant was classified as likely pathogenic.

Literature cited by the submitters: PubMed 16199547 (cited by Labcorp Genetics (formerly Invitae), Labcorp); PubMed 9384606 (cited by Labcorp Genetics (formerly Invitae), Labcorp); PubMed 12468273 (cited by Labcorp Genetics (formerly Invitae), Labcorp).